The following is an entry in ClinVar:

NM_006767.4(LZTR1):c.346G>T (p.Ala116Ser)

Gene: LZTR1 (leucine zipper like post translational regulator 1; plus strand). Cytogenetic location: 22q11.21.
Variant type: single nucleotide variant.
Coding change: c.346G>T on transcript NM_006767.4 (MANE Select); coding-DNA position 346, G replaced by T.
Protein change: p.Ala116Ser; replaces alanine 116 with serine.
Molecular consequence: missense variant.
Genome position (GRCh38, 1-based): chr22:20,987,529, G>T. VCF-style: chr22-20987529-G-T. GRCh37 (hg19) VCF-style: chr22-21341818-G-T.
Other names: c.346G>T (NM_006767.3); short protein forms A116S.
Identifiers: ClinVar variation 3627258 (VCV003627258.3).

ClinVar aggregate classification (germline): Uncertain significance. Review status: criteria provided, multiple submitters, no conflicts (2 of 4 stars). 2 submissions from 2 submitters: Uncertain significance (2). Last evaluated 2025-05-16.

Conditions:
Cardiovascular phenotype. Identifiers: MedGen CN230736.
Hereditary cancer-predisposing syndrome. Also called: Tumor predisposition; Hereditary neoplastic syndrome; Neoplastic Syndromes, Hereditary; Hereditary Cancer Syndrome. Identifiers: Orphanet 140162, MedGen C0027672, MeSH D009386, MONDO:0015356.

Submissions (2):

Ambry Genetics
Classification: Uncertain significance for Cardiovascular phenotype; Hereditary cancer-predisposing syndrome. Last evaluated: 2025-05-16. Review status: criteria provided, single submitter. Criteria: Ambry Variant Classification Scheme 2023. Collection method: clinical testing. Allele origin: germline.
Comment: The p.A116S variant (also known as c.346G>T), located in coding exon 4 of the LZTR1 gene, results from a G to T substitution at nucleotide position 346. The alanine at codon 116 is replaced by serine, an amino acid with similar properties. This amino acid position is highly conserved in available vertebrate species. In addition, this alteration is predicted to be tolerated by in silico analysis. Based on the available evidence, the clinical significance of this variant remains unclear.

Labcorp Genetics (formerly Invitae), Labcorp
Classification: Uncertain significance. Last evaluated: 2024-05-23. Review status: criteria provided, single submitter. Criteria: Invitae Variant Classification Sherloc (09022015). Collection method: clinical testing. Allele origin: germline.
Comment: This sequence change replaces alanine, which is neutral and non-polar, with serine, which is neutral and polar, at codon 116 of the LZTR1 protein (p.Ala116Ser). This variant is present in population databases (no rsID available, gnomAD 0.003%). This variant has not been reported in the literature in individuals affected with LZTR1-related conditions. Advanced modeling of protein sequence and biophysical properties (such as structural, functional, and spatial information, amino acid conservation, physicochemical variation, residue mobility, and thermodynamic stability) performed at Invitae indicates that this missense variant is not expected to disrupt LZTR1 protein function with a negative predictive value of 80%. In summary, the available evidence is currently insufficient to determine the role of this variant in disease. Therefore, it has been classified as a Variant of Uncertain Significance.